The following is an entry in ClinVar:

ClinVar aggregate classification (germline): Uncertain significance (1 of 4 stars; one submission).

Conditions:
Aicardi-Goutieres syndrome 6 (AGS6). Identifiers: Orphanet 51, MedGen C3539013, MONDO:0014007, OMIM 615010.
Symmetrical dyschromatosis of extremities (DSH). Also called: RETICULATE ACROPIGMENTATION OF DOHI; Dyschromatosis symmetrica hereditaria; DYSCHROMATOSIS SYMMETRICA HEREDITARIA 1; SYMMETRIC DYSCHROMATOSIS OF THE EXTREMITIES. Identifiers: Orphanet 41, MedGen C0406775, MONDO:0007483, OMIM 127400.

Submission:

Labcorp Genetics (formerly Invitae), Labcorp
Classification: Uncertain significance for Aicardi-Goutieres syndrome 6; Symmetrical dyschromatosis of extremities. Last evaluated: 2021-05-12. Review status: criteria provided, single submitter. Criteria: Invitae Variant Classification Sherloc (09022015). Collection method: clinical testing. Allele origin: germline.
Comment: Algorithms developed to predict the effect of missense changes on protein structure and function (SIFT, PolyPhen-2, Align-GVGD) all suggest that this variant is likely to be tolerated, but these predictions have not been confirmed by published functional studies and their clinical significance is uncertain. In summary, the available evidence is currently insufficient to determine the role of this variant in disease. Therefore, it has been classified as a Variant of Uncertain Significance. This variant has not been reported in the literature in individuals with ADAR-related conditions. This variant is not present in population databases (ExAC no frequency). This sequence change replaces threonine with arginine at codon 406 of the ADAR protein (p.Thr406Arg). The threonine residue is weakly conserved and there is a moderate physicochemical difference between threonine and arginine.

NM_001111.5(ADAR):c.1217C>G (p.Thr406Arg)

Gene: ADAR (adenosine deaminase RNA specific; minus strand). Cytogenetic location: 1q21.3.
Variant type: single nucleotide variant.
Coding change: c.1217C>G on transcript NM_001111.5 (MANE Select); coding-DNA position 1217, C replaced by G.
Protein change: p.Thr406Arg; replaces threonine 406 with arginine.
Molecular consequence: missense variant.
Genome position (GRCh38, 1-based): chr1:154,601,425, G>C on the plus strand (C>G on the coding strand, the complement: ADAR is on the minus strand). VCF-style: chr1-154601425-G-C. GRCh37 (hg19) VCF-style: chr1-154573901-G-C.
Other names: c.332C>G, p.Thr111Arg (NM_001025107.3, NM_001193495.2, NM_001365046.1 and 3 more transcripts); c.1244C>G, p.Thr415Arg (NM_001365045.1); c.1217C>G, p.Thr406Arg (NM_015840.4, NM_015841.4); short protein forms T111R, T415R, T406R.
Identifiers: ClinVar variation 1414693 (VCV001414693.8), dbSNP rs1571107399, ClinGen allele CA342597102.